The following is an entry in ClinVar:

NM_002617.4(PEX10):c.430_439del (p.Trp144fs)

Gene: PEX10 (peroxisomal biogenesis factor 10; minus strand). Cytogenetic location: 1p36.32.
Variant type: Deletion.
Coding change: c.430_439del on transcript NM_002617.4 (MANE Select); coding-DNA positions 430 to 439, 10 bases deleted (TGGATGCGTC; older notation c.430_439delTGGATGCGTC).
Protein change: p.Trp144fs; shifts the reading frame from tryptophan 144.
Molecular consequence: frameshift variant. On other transcripts: initiator codon variant (2), non-coding transcript variant (1).
Genome position (GRCh38, 1-based): chr1:2,408,613-2,408,622, GACGCATCCA deleted on the plus strand (TGGATGCGTC on the coding strand, the reverse complement: PEX10 is on the minus strand); deleting any 10 consecutive bases within chr1:2,408,613-2,408,623 gives the same sequence; the c. name uses the placement nearest the transcript's 3' end. VCF-style (leftmost placement, unchanged base first): chr1-2408612-TGACGCATCCA-T. GRCh37 (hg19) VCF-style: chr1-2340051-TGACGCATCCA-T.
Other names: c.430_439del, p.Trp144fs (NM_001374425.1, NM_153818.2); c.-3_7del, p.Met1fs (NM_001374426.1, NM_001374427.1); short protein forms M1fs, W144fs.
Identifiers: ClinVar variation 1457525 (VCV001457525.6), dbSNP rs2100428812, ClinGen allele CA2573131883.

ClinVar aggregate classification (germline): Pathogenic (1 of 4 stars; one submission).

Conditions:
Peroxisome biogenesis disorder, complementation group 7 (CG7). Also called: Peroxisome biogenesis disorder, complementation group B. Identifiers: MedGen C1864399.

Submission:

Labcorp Genetics (formerly Invitae), Labcorp
Classification: Pathogenic for Peroxisome biogenesis disorder, complementation group 7. Last evaluated: 2022-06-05. Review status: criteria provided, single submitter. Criteria: Invitae Variant Classification Sherloc (09022015). Collection method: clinical testing. Allele origin: germline.
Comment: This sequence change creates a premature translational stop signal (p.Trp144Thrfs*6) in the PEX10 gene. It is expected to result in an absent or disrupted protein product. Loss-of-function variants in PEX10 are known to be pathogenic (PMID: 9683594, 10862081, 21031596). This variant is not present in population databases (gnomAD no frequency). This variant has not been reported in the literature in individuals affected with PEX10-related conditions. ClinVar contains an entry for this variant (Variation ID: 1457525). For these reasons, this variant has been classified as Pathogenic.

Literature cited by the submitters: PubMed 9683594; PubMed 10862081; PubMed 21031596.